The following is an entry in ClinVar:

ClinVar aggregate classification (germline): Conflicting classifications of pathogenicity. Review status: criteria provided, conflicting classifications (1 of 4 stars). 4 submissions from 4 submitters: Uncertain significance (3); Likely benign (1). Last evaluated 2026-01-06.

Conditions:
Inborn genetic diseases. Identifiers: MedGen C0950123, MeSH D030342.
Charcot-Marie-Tooth disease dominant intermediate C (CMTDIC). Also called: CHARCOT-MARIE-TOOTH NEUROPATHY, DOMINANT INTERMEDIATE C. Identifiers: Orphanet 100045, MedGen C1842237, MONDO:0012012, OMIM 608323.

Allele frequency attached by ClinVar (database versions not stated): TOPMed 0.00010; ESP Exome Variant Server 0.00038; gnomAD 0.00010.
gnomAD v4.1: 223 of 1,613,956 alleles (0.014%); highest among the groups gnomAD compares: Non-Finnish European, 0.018%; no homozygotes.

Submissions (4):

Labcorp Genetics (formerly Invitae), Labcorp
Classification: Uncertain significance for Charcot-Marie-Tooth disease dominant intermediate C. Last evaluated: 2026-01-06. Review status: criteria provided, single submitter. Criteria: Invitae Variant Classification Sherloc (09022015). Collection method: clinical testing. Allele origin: germline.
Comment: This sequence change replaces lysine, which is basic and polar, with asparagine, which is neutral and polar, at codon 265 of the YARS protein (p.Lys265Asn). This variant is present in population databases (rs141482636, gnomAD 0.02%). This missense change has been observed in individual(s) with clinical features of peripheral neuropathy (PMID: 21384131). ClinVar contains an entry for this variant (Variation ID: 464881). Invitae Evidence Modeling of protein sequence and biophysical properties (such as structural, functional, and spatial information, amino acid conservation, physicochemical variation, residue mobility, and thermodynamic stability) indicates that this missense variant is expected to disrupt YARS protein function with a positive predictive value of 80%. Experimental studies have shown that this missense change does not substantially affect YARS function (PMID: 21384131). In summary, the available evidence is currently insufficient to determine the role of this variant in disease. Therefore, it has been classified as a Variant of Uncertain Significance.

Women's Health and Genetics/Laboratory Corporation of America, LabCorp
Classification: Uncertain significance. Last evaluated: 2025-11-28. Review status: criteria provided, single submitter. Criteria: LabCorp Variant Classification Summary - May 2015. Collection method: clinical testing. Allele origin: germline.
Comment: Variant summary: YARS1 c.795G>C (p.Lys265Asn) results in a non-conservative amino acid change in the encoded protein sequence. Algorithms developed to predict the effect of missense changes on protein structure and function are either unavailable or do not agree on the potential impact of this missense change. The variant allele was found at a frequency of 0.0001 in 282856 control chromosomes. This frequency is not significantly higher than estimated for disease-causing variants in YARS1, allowing no conclusion about variant significance. c.795G>C has been observed in individual(s) affected with peripheral neuropathy (example: Leitaao-Goncalves_2012). These report(s) do not provide unequivocal conclusions about association of the variant with Neurologic, endocrine, and pancreatic disease, multisystem, infantile-onset 2. At least one publication reports experimental evidence evaluating an impact on protein function, and have shown that this missense change does not substantially affect YARS function (example: Leitaao-Goncalves_2012). The following publication has been ascertained in the context of this evaluation (PMID: 21384131). ClinVar contains an entry for this variant (Variation ID: 464881). Based on the evidence outlined above, the variant was classified as uncertain significance.

Ambry Genetics
Classification: Likely benign for Inborn genetic diseases. Last evaluated: 2021-06-14. Review status: criteria provided, single submitter. Criteria: Ambry Variant Classification Scheme 2023. Collection method: clinical testing. Allele origin: germline.

GeneDx
Classification: Uncertain significance. Last evaluated: 2020-09-14. Review status: criteria provided, single submitter. Criteria: GeneDx Variant Classification Process June 2021. Collection method: clinical testing. Allele origin: germline. Affected: yes.
Comment: Reported in an individual with Charcot-Marie-Tooth disease who also had a variant in the FIG4 gene (Leitao-Goncalves et al., 2012); Published functional studies demonstrate no damaging effect (Bervoets et al., 2019); In silico analysis supports that this missense variant has a deleterious effect on protein structure/function; This variant is associated with the following publications: (PMID: 30643024, 31695036, 21384131, 27876679)

Literature cited by the submitters: PubMed 21384131 (cited by Labcorp Genetics (formerly Invitae), Labcorp and Women's Health and Genetics/Laboratory Corporation of America, LabCorp).

NM_003680.4(YARS1):c.795G>C (p.Lys265Asn)

Genes: YARS1 (tyrosyl-tRNA synthetase 1; minus strand), LOC126805688 (BRD4-independent group 4 enhancer GRCh37_chr1:33251929-33253128; plus strand). Cytogenetic location: 1p35.1.
Variant type: single nucleotide variant.
Coding change: c.795G>C on transcript NM_003680.4 (MANE Select); coding-DNA position 795, G replaced by C.
Protein change: p.Lys265Asn; replaces lysine 265 with asparagine.
Molecular consequence: missense variant.
Genome position (GRCh38, 1-based): chr1:32,786,965, C>G on the plus strand (G>C on the coding strand, the complement: YARS1 is on the minus strand). VCF-style: chr1-32786965-C-G. GRCh37 (hg19) VCF-style: chr1-33252566-C-G.
Other names: short protein forms K265N.
Identifiers: ClinVar variation 464881 (VCV000464881.19), dbSNP rs141482636, ClinGen allele CA745111.